The following is an entry in ClinVar:

NM_000465.4(BARD1):c.1224G>C (p.Met408Ile)

Gene: BARD1 (BRCA1 associated RING domain 1; minus strand). Cytogenetic location: 2q35.
Variant type: single nucleotide variant.
Coding change: c.1224G>C on transcript NM_000465.4 (MANE Select); coding-DNA position 1224, G replaced by C.
Protein change: p.Met408Ile; replaces methionine 408 with isoleucine.
Molecular consequence: missense variant. On other transcripts: non-coding transcript variant (2), intron variant (3).
Genome position (GRCh38, 1-based): chr2:214,780,650, C>G on the plus strand (G>C on the coding strand, the complement: BARD1 is on the minus strand). VCF-style: chr2-214780650-C-G. GRCh37 (hg19) VCF-style: chr2-215645374-C-G.
Other names: c.1167G>C, p.Met389Ile (NM_001282543.2); c.159-28095G>C (NM_001282548.2); c.215+16411G>C (NM_001282545.2); c.364+11647G>C (NM_001282549.2); short protein forms M408I, M389I.
Identifiers: ClinVar variation 2718385 (VCV002718385.2), dbSNP rs1694945753, ClinGen allele CA350453658.

ClinVar aggregate classification (germline): Uncertain significance (1 of 4 stars; one submission).

Conditions:
Familial cancer of breast. Also called: Hereditary breast cancer; BREAST CANCER, FAMILIAL; hereditary breast carcinoma. Identifiers: Orphanet 227535, MedGen C0346153, MONDO:0016419, OMIM 114480. Disease mechanism: loss of function.

gnomAD v4.1: 3 of 1,614,082 alleles (0.00019%); highest among the groups gnomAD compares: Non-Finnish European, 0.00017%; no homozygotes.

Submission:

Labcorp Genetics (formerly Invitae), Labcorp
Classification: Uncertain significance for Familial cancer of breast. Last evaluated: 2024-01-13. Review status: criteria provided, single submitter. Criteria: Invitae Variant Classification Sherloc (09022015). Collection method: clinical testing. Allele origin: germline.
Comment: This sequence change replaces methionine, which is neutral and non-polar, with isoleucine, which is neutral and non-polar, at codon 408 of the BARD1 protein (p.Met408Ile). This variant is not present in population databases (gnomAD no frequency). This variant has not been reported in the literature in individuals affected with BARD1-related conditions. Algorithms developed to predict the effect of missense changes on protein structure and function output the following: SIFT: "Not Available"; PolyPhen-2: "Benign"; Align-GVGD: "Not Available". The isoleucine amino acid residue is found in multiple mammalian species, which suggests that this missense change does not adversely affect protein function. In summary, the available evidence is currently insufficient to determine the role of this variant in disease. Therefore, it has been classified as a Variant of Uncertain Significance.